The following is an entry in ClinVar:

NM_005591.4(MRE11):c.875G>T (p.Arg292Met)

Gene: MRE11 (MRE11 double strand break repair nuclease; minus strand). Cytogenetic location: 11q21.
Variant type: single nucleotide variant.
Coding change: c.875G>T on transcript NM_005591.4 (MANE Select); coding-DNA position 875, G replaced by T.
Protein change: p.Arg292Met; replaces arginine 292 with methionine.
Molecular consequence: missense variant.
Genome position (GRCh38, 1-based): chr11:94,470,613, C>A on the plus strand (G>T on the coding strand, the complement: MRE11 is on the minus strand). VCF-style: chr11-94470613-C-A. GRCh37 (hg19) VCF-style: chr11-94203779-C-A.
Other names: c.875G>T, p.Arg292Met (NM_001330347.2, NM_005590.4); short protein forms R292M.
Identifiers: ClinVar variation 2451365 (VCV002451365.2), dbSNP rs1689706955, ClinGen allele CA382374723.

ClinVar aggregate classification (germline): Uncertain significance (1 of 4 stars; one submission).

Conditions:
Hereditary cancer-predisposing syndrome. Also called: Neoplastic Syndromes, Hereditary; Tumor predisposition; Hereditary neoplastic syndrome; Hereditary Cancer Syndrome. Identifiers: Orphanet 140162, MedGen C0027672, MeSH D009386, MONDO:0015356.

Submission:

Ambry Genetics
Classification: Uncertain significance for Hereditary cancer-predisposing syndrome. Last evaluated: 2022-12-27. Review status: criteria provided, single submitter. Criteria: Ambry Variant Classification Scheme 2023. Collection method: clinical testing. Allele origin: germline.
Comment: The p.R292M variant (also known as c.875G>T), located in coding exon 8 of the MRE11A gene, results from a G to T substitution at nucleotide position 875. The arginine at codon 292 is replaced by methionine, an amino acid with similar properties. This amino acid position is conserved. In addition, the in silico prediction for this alteration is inconclusive. Since supporting evidence is limited at this time, the clinical significance of this alteration remains unclear.